The following is an entry in ClinVar:

NM_005523.6(HOXA11):c.403G>A (p.Val135Ile)

Genes: HOXA11 (homeobox A11; minus strand), LOC107126281 (NUP98-HOXA11 recombination region; plus strand). Cytogenetic location: 7p15.2.
Variant type: single nucleotide variant.
Coding change: c.403G>A on transcript NM_005523.6 (MANE Select); coding-DNA position 403, G replaced by A.
Protein change: p.Val135Ile; replaces valine 135 with isoleucine.
Molecular consequence: missense variant.
Genome position (GRCh38, 1-based): chr7:27,184,742, C>T on the plus strand (G>A on the coding strand, the complement: HOXA11 is on the minus strand). VCF-style: chr7-27184742-C-T. GRCh37 (hg19) VCF-style: chr7-27224361-C-T.
Other names: short protein forms V135I.
Identifiers: ClinVar variation 3526229 (VCV003526229.2).

ClinVar aggregate classification (germline): Uncertain significance. Review status: criteria provided, multiple submitters, no conflicts (2 of 4 stars). 2 submissions from 2 submitters: Uncertain significance (2). Last evaluated 2025-05-07.

Conditions:
Radioulnar synostosis with amegakaryocytic thrombocytopenia 1 (RUSAT1). Also called: THROMBOCYTOPENIA, CONGENITAL, WITH RADIOULNAR SYNOSTOSIS. Identifiers: Orphanet 71289, MedGen C4551975, MONDO:0024558, OMIM 605432.

Submissions (2):

Laboratorio de Genetica e Diagnostico Molecular, Hospital Israelita Albert Einstein
Classification: Uncertain significance for Radioulnar synostosis with amegakaryocytic thrombocytopenia 1. Last evaluated: 2025-05-07. Review status: criteria provided, single submitter. Criteria: ACMG Guidelines, 2015. Collection method: clinical testing. Allele origin: germline. Affected: yes.
Comment: ACMG classification criteria: PM2 supporting, BP4 supporting

Ambry Genetics
Classification: Uncertain significance. Last evaluated: 2024-08-26. Review status: criteria provided, single submitter. Criteria: Ambry Variant Classification Scheme 2023. Collection method: clinical testing. Allele origin: germline.